The following is an entry in ClinVar:

ClinVar aggregate classification (germline): Conflicting classifications of pathogenicity. Review status: criteria provided, conflicting classifications (1 of 4 stars). 12 submissions from 12 submitters: Uncertain significance (6); Benign (1); Likely benign (3). 2 of the submissions do not count toward it. Last evaluated 2026-01-10.

Conditions:
Endometrial carcinoma. Also called: Endometrial carcinoma, somatic. Identifiers: MedGen C0476089, MONDO:0002447, OMIM 608089, HP:0012114.
Mismatch repair cancer syndrome 3. Identifiers: MedGen C5436807, MONDO:0030841, OMIM 619097.
Lynch syndrome 5 (LYNCH5). Also called: Colorectal cancer, hereditary nonpolyposis, type 5; Hereditary non-polyposis colorectal cancer, type 5. Identifiers: Orphanet 144, MedGen C1833477, MONDO:0013710, OMIM 614350. Disease mechanism: loss of function.
Hereditary nonpolyposis colorectal neoplasms. Identifiers: MedGen C0009405, MeSH D003123.
Hereditary cancer-predisposing syndrome. Also called: Neoplastic Syndromes, Hereditary; Tumor predisposition; Hereditary Cancer Syndrome; Hereditary neoplastic syndrome. Identifiers: Orphanet 140162, MedGen C0027672, MeSH D009386, MONDO:0015356.
Lynch syndrome. Identifiers: Orphanet 144, MedGen C4552100, MONDO:0005835. Disease mechanism: loss of function.

Allele frequency attached by ClinVar (database versions not stated): gnomAD 0.00001; TOPMed 0.00001.
gnomAD v4.1: 25 of 1,497,474 alleles (0.0017%); highest among the groups gnomAD compares: African/African-American, 0.023%; 1 homozygote.

Submissions (12):

Labcorp Genetics (formerly Invitae), Labcorp
Classification: Benign for Hereditary nonpolyposis colorectal neoplasms. Last evaluated: 2026-01-10. Review status: criteria provided, single submitter. Criteria: Invitae Variant Classification Sherloc (09022015). Collection method: clinical testing. Allele origin: germline.

Myriad Genetics, Inc.
Classification: Likely benign for Lynch syndrome 5. Last evaluated: 2025-07-15. Review status: criteria provided, single submitter. Criteria: Myriad Autosomal Dominant, Autosomal Recessive and X-Linked Classification Criteria (2023). Collection method: clinical testing. Allele origin: unknown.
Comment: This variant is considered likely benign. Homozygosity for this variant has been confirmed in one or more individuals lacking clinical features consistent with gene-specific recessive disease, indicating that this variant is unlikely to be pathogenic.

Department of Pathology and Laboratory Medicine, Sinai Health System
Classification: Likely benign for Endometrial carcinoma; Lynch syndrome 5; Mismatch repair cancer syndrome 3. Last evaluated: 2025-01-31. Review status: criteria provided, single submitter. Criteria: ACMG Guidelines, 2015. Collection method: clinical testing. Allele origin: germline. Affected: no.

Blueprint Genetics
Classification: Uncertain significance. Last evaluated: 2024-06-27. Review status: criteria provided, single submitter. Criteria: ACMG Guidelines, 2015. Collection method: clinical testing. Allele origin: germline.

Ambry Genetics
Classification: Likely benign for Hereditary cancer-predisposing syndrome. Last evaluated: 2024-06-06. Review status: criteria provided, single submitter. Criteria: Ambry Variant Classification Scheme 2023. Collection method: clinical testing. Allele origin: germline.

Baylor Genetics
Classification: Uncertain significance for Endometrial carcinoma. Last evaluated: 2024-03-18. Review status: criteria provided, single submitter. Criteria: ACMG Guidelines, 2015. Collection method: clinical testing. Allele origin: unknown.

Quest Diagnostics Nichols Institute San Juan Capistrano
Classification: Uncertain significance. Last evaluated: 2023-11-30. Review status: criteria provided, single submitter. Criteria: Quest Diagnostics criteria. Collection method: clinical testing. Allele origin: unknown.
Comment: The MSH6 c.208A>G (p.Lys70Glu) variant has not been reported in individuals with MSH6-related conditions in the published literature. It also has not been reported in large, multi-ethnic general populations (Genome Aggregation Database). Analysis of this variant using bioinformatics tools for the prediction of the effect of amino acid changes on protein structure and function yielded predictions that this variant is benign. Based on the available information, we are unable to determine the clinical significance of this variant.

All of Us Research Program, National Institutes of Health
Classification: Uncertain significance for Lynch syndrome. Last evaluated: 2023-10-02. Review status: criteria provided, single submitter. Criteria: ACMG Guidelines, 2015. Collection method: clinical testing. Allele origin: germline. Inheritance: Autosomal dominant inheritance. Observed: 2 variant alleles, 2 heterozygotes.
Comment: This missense variant replaces lysine with glutamic acid at codon 70 of the MSH6 protein. Computational prediction suggests that this variant may not impact protein structure and function (internally defined REVEL score threshold <= 0.5, PMID: 27666373). To our knowledge, functional studies have not been reported for this variant. This variant has not been reported in individuals affected with MSH6-related disorders in the literature. This variant has not been identified in the general population by the Genome Aggregation Database (gnomAD). The available evidence is insufficient to determine the role of this variant in disease conclusively. Therefore, this variant is classified as a Variant of Uncertain Significance.

This study involves interpretation of variants in research participants for the purpose of population health screening. Participant phenotype was not available at the time of variant classification. Additional details can be found in publication PMID: 35346344, PMCID: PMC8962531

Color Diagnostics, LLC DBA Color Health
Classification: Uncertain significance for Hereditary cancer-predisposing syndrome. Last evaluated: 2023-08-17. Review status: criteria provided, single submitter. Criteria: ACMG Guidelines, 2015. Collection method: clinical testing. Allele origin: germline.
Comment: This missense variant replaces lysine with glutamic acid at codon 70 of the MSH6 protein. Computational prediction suggests that this variant may not impact protein structure and function (internally defined REVEL score threshold <= 0.5, PMID: 27666373). To our knowledge, functional studies have not been reported for this variant. This variant has not been reported in individuals affected with MSH6-related disorders in the literature. This variant has not been identified in the general population by the Genome Aggregation Database (gnomAD). The available evidence is insufficient to determine the role of this variant in disease conclusively. Therefore, this variant is classified as a Variant of Uncertain Significance.

GeneDx
Classification: Uncertain significance. Last evaluated: 2022-11-28. Review status: criteria provided, single submitter. Criteria: GeneDx Variant Classification Process June 2021. Collection method: clinical testing. Allele origin: germline. Affected: yes.
Comment: Not observed in large population cohorts (gnomAD); In silico analysis supports that this missense variant does not alter protein structure/function; Has not been previously published as pathogenic or benign to our knowledge

Clinical Genetics DNA and cytogenetics Diagnostics Lab, Erasmus MC, Erasmus Medical Center
Classification: Likely benign. Review status: no assertion criteria provided. Collection method: clinical testing. Allele origin: germline. Affected: yes. Study: VKGL Data-share Consensus. Not counted in ClinVar's aggregate classification.

Joint Genome Diagnostic Labs from Nijmegen and Maastricht, Radboudumc and MUMC+
Classification: Likely benign. Review status: no assertion criteria provided. Collection method: clinical testing. Allele origin: germline. Affected: yes. Study: VKGL Data-share Consensus. Not counted in ClinVar's aggregate classification.

NM_000179.3(MSH6):c.208A>G (p.Lys70Glu)

Gene: MSH6 (mutS homolog 6; plus strand). Cytogenetic location: 2p16.3.
Variant type: single nucleotide variant.
Coding change: c.208A>G on transcript NM_000179.3 (MANE Select); coding-DNA position 208, A replaced by G.
Protein change: p.Lys70Glu; replaces lysine 70 with glutamic acid.
Molecular consequence: missense variant. On other transcripts: 5 prime UTR variant (1).
Genome position (GRCh38, 1-based): chr2:47,783,441, A>G. VCF-style: chr2-47783441-A-G. GRCh37 (hg19) VCF-style: chr2-48010580-A-G.
Other names: c.208A>G, p.Lys70Glu (NM_001281492.2); c.-529A>G (NM_001281493.2); short protein forms K70E.
Identifiers: ClinVar variation 216304 (VCV000216304.30), dbSNP rs863224621, ClinGen allele CA338570.